The following is an entry in ClinVar:

ClinVar aggregate classification (germline): Uncertain significance (1 of 4 stars; one submission).

Conditions:
Myofibrillar myopathy 5. Also called: Filaminopathy (type); FILAMINOPATHY, AUTOSOMAL DOMINANT. Identifiers: Orphanet 171445, MedGen C1836050, MONDO:0012289, OMIM 609524.
Distal myopathy with posterior leg and anterior hand involvement. Also called: WILLIAMS DISTAL MYOPATHY. Identifiers: Orphanet 63273, MedGen C3279722, MONDO:0013550, OMIM 614065.
Hypertrophic cardiomyopathy 26. Also called: Cardiomyopathy, familial hypertrophic, 26. Identifiers: Orphanet 75249, MedGen C4310749, MONDO:0014883, OMIM 617047.

Submission:

Labcorp Genetics (formerly Invitae), Labcorp
Classification: Uncertain significance for Distal myopathy with posterior leg and anterior hand involvement; Myofibrillar myopathy 5; Hypertrophic cardiomyopathy 26. Last evaluated: 2022-08-09. Review status: criteria provided, single submitter. Criteria: Invitae Variant Classification Sherloc (09022015). Collection method: clinical testing. Allele origin: germline.
Comment: This sequence change replaces glutamic acid, which is acidic and polar, with lysine, which is basic and polar, at codon 2189 of the FLNC protein (p.Glu2189Lys). This variant is not present in population databases (gnomAD no frequency). This variant has not been reported in the literature in individuals affected with FLNC-related conditions. Algorithms developed to predict the effect of missense changes on protein structure and function are either unavailable or do not agree on the potential impact of this missense change (SIFT: "Deleterious"; PolyPhen-2: "Benign"; Align-GVGD: "Class C0"). In summary, the available evidence is currently insufficient to determine the role of this variant in disease. Therefore, it has been classified as a Variant of Uncertain Significance.

NM_001458.5(FLNC):c.6565G>A (p.Glu2189Lys)

Genes: FLNC-AS1 (FLNC antisense RNA 1; minus strand), FLNC (filamin C; plus strand). Cytogenetic location: 7q32.1.
Variant type: single nucleotide variant.
Coding change: c.6565G>A on transcript NM_001458.5 (MANE Select); coding-DNA position 6565, G replaced by A.
Protein change: p.Glu2189Lys; replaces glutamic acid 2189 with lysine.
Molecular consequence: missense variant.
Genome position (GRCh38, 1-based): chr7:128,854,054, G>A. VCF-style: chr7-128854054-G-A. GRCh37 (hg19) VCF-style: chr7-128494108-G-A.
Other names: c.6466G>A, p.Glu2156Lys (NM_001127487.2); short protein forms E2156K, E2189K.
Identifiers: ClinVar variation 1715828 (VCV001715828.6), dbSNP rs2536663719, ClinGen allele CA369212830.